The following is an entry in ClinVar:

NM_001375567.1(FOCAD):c.2835C>G (p.Ile945Met)

Gene: FOCAD (focadhesin; plus strand). Cytogenetic location: 9p21.3.
Variant type: single nucleotide variant.
Coding change: c.2835C>G on transcript NM_001375567.1 (MANE Select); coding-DNA position 2835, C replaced by G.
Protein change: p.Ile945Met; replaces isoleucine 945 with methionine.
Molecular consequence: missense variant.
Genome position (GRCh38, 1-based): chr9:20,916,920, C>G. VCF-style: chr9-20916920-C-G. GRCh37 (hg19) VCF-style: chr9-20916919-C-G.
Other names: c.2730C>G, p.Ile910Met (NM_001375568.1, NM_001375570.1); c.2835C>G, p.Ile945Met (NM_017794.5); short protein forms I910M, I945M.
Identifiers: ClinVar variation 4744418 (VCV004744418.1).
Genomic context (GRCh38, chr9:20,916,920, plus strand): 5'-TAAACTCTCGTCTATTTTCCATCTTTATTGCAGGGTTAGAGACATGCTGACTGATGAGAT[C>G]ACCAAGGCAGCTGCAAAGTAAGATCCATTTAGTCTTTTATCAAACATTTTTTATAAATAC-3'
Protein context (NP_001362496.1, residues 935-955): LWVRDMLTDE[Ile945Met]TKAAAKESPV

ClinVar aggregate classification (germline): Uncertain significance (1 of 4 stars; one submission).

gnomAD v4.1: 2 of 1,604,374 alleles (0.00012%); highest among the groups gnomAD compares: Non-Finnish European, 0.00017%; no homozygotes.

Submission:

Labcorp Genetics (formerly Invitae), Labcorp
Classification: Uncertain significance. Last evaluated: 2026-01-19. Review status: criteria provided, single submitter. Criteria: Invitae Variant Classification Sherloc (09022015). Collection method: clinical testing. Allele origin: germline.
Comment: This sequence change replaces isoleucine, which is neutral and non-polar, with methionine, which is neutral and non-polar, at codon 945 of the FOCAD protein (p.Ile945Met). This variant is not present in population databases (gnomAD no frequency). This variant has not been reported in the literature in individuals affected with FOCAD-related conditions. Experimental studies and prediction algorithms are not available or were not evaluated, and the functional significance of this variant is currently unknown. In summary, the available evidence is currently insufficient to determine the role of this variant in disease. Therefore, it has been classified as a Variant of Uncertain Significance.